The following is an entry in ClinVar:

NM_001625.4(AK2):c.597G>A (p.Glu199=)

Gene: AK2 (adenylate kinase 2; minus strand). Cytogenetic location: 1p35.1.
Variant type: single nucleotide variant.
Coding change: c.597G>A on transcript NM_001625.4 (MANE Select); coding-DNA position 597, G replaced by A.
Protein change: p.Glu199=; no amino-acid change (glutamic acid 199 retained).
Molecular consequence: synonymous variant. On other transcripts: 3 prime UTR variant (1), non-coding transcript variant (1).
Genome position (GRCh38, 1-based): chr1:33,013,304, C>T on the plus strand (G>A on the coding strand, the complement: AK2 is on the minus strand). VCF-style: chr1-33013304-C-T. GRCh37 (hg19) VCF-style: chr1-33478905-C-T.
Other names: p.Glu199=; c.573G>A, p.Glu191= (NM_001199199.3); c.453G>A, p.Glu151= (NM_001319139.3, NM_001319140.2); c.597G>A, p.Glu199= (NM_001319141.3, NM_013411.5); c.471G>A, p.Glu157= (NM_001319142.3); c.*100G>A (NM_001319143.2).
Identifiers: ClinVar variation 702768 (VCV000702768.13), dbSNP rs150186080, ClinGen allele CA747063.

ClinVar aggregate classification (germline): Benign/Likely benign. Review status: criteria provided, multiple submitters, no conflicts (2 of 4 stars). 3 submissions from 3 submitters: Benign (1); Likely benign (2). Last evaluated 2025-09-10.

Conditions:
Reticular dysgenesis. Also called: HEMATOPOIETIC HYPOPLASIA, GENERALIZED; RETICULAR DYSGENESIA; SEVERE COMBINED IMMUNODEFICIENCY WITH LEUKOPENIA; DeVaal disease; ALEUKOCYTOSIS; CONGENITAL ALEUKIA. Identifiers: Orphanet 33355, MedGen C0272167, MONDO:0009973, OMIM 267500.

Allele frequency attached by ClinVar (database versions not stated): ExAC 0.00038; ESP Exome Variant Server 0.00100; gnomAD 0.00114 and 0.00123; 1000 Genomes Project 0.00160; 1000 Genomes Project 30x 0.00172.
gnomAD v4.1: 355 of 1,614,130 alleles (0.022%); highest among the groups gnomAD compares: African/African-American, 0.41%; no homozygotes.

Submissions (3):

Mayo Clinic Laboratories, Mayo Clinic
Classification: Likely benign. Last evaluated: 2025-09-10. Review status: criteria provided, single submitter. Criteria: ACMG Guidelines, 2015. Collection method: clinical testing. Allele origin: germline. Observed: 1 variant allele.
Comment: BS1, BP4, BP7

Labcorp Genetics (formerly Invitae), Labcorp
Classification: Benign for Reticular dysgenesis. Last evaluated: 2024-10-26. Review status: criteria provided, single submitter. Criteria: Invitae Variant Classification Sherloc (09022015). Collection method: clinical testing. Allele origin: germline.

Blueprint Genetics
Classification: Likely benign. Last evaluated: 2024-08-12. Review status: criteria provided, single submitter. Criteria: ACMG Guidelines, 2015. Collection method: clinical testing. Allele origin: germline.